The following is an entry in ClinVar:

NM_003000.3(SDHB):c.622G>A (p.Gly208Arg)

Gene: SDHB (succinate dehydrogenase complex iron sulfur subunit B; minus strand). Cytogenetic location: 1p36.13.
Variant type: single nucleotide variant.
Coding change: c.622G>A on transcript NM_003000.3 (MANE Select); coding-DNA position 622, G replaced by A.
Protein change: p.Gly208Arg; replaces glycine 208 with arginine.
Molecular consequence: missense variant.
Genome position (GRCh38, 1-based): chr1:17,023,993, C>T on the plus strand (G>A on the coding strand, the complement: SDHB is on the minus strand). VCF-style: chr1-17023993-C-T. GRCh37 (hg19) VCF-style: chr1-17350488-C-T.
Other names: c.568G>A, p.Gly190Arg (NM_001407361.1); short protein forms G190R, G208R.
Identifiers: ClinVar variation 1752328 (VCV001752328.5), dbSNP rs2525008725, ClinGen allele CA338270963.
Genomic context (GRCh38, chr1:17,023,993, plus strand): 5'-GAGTTTCAATTTCTCTTAAAGCAATTAAGGAGCACCTCACCTGCATAAGAACTGCAGGCC[C>T]CAGATATTTGTCTCCGTTCCACCAGTAGCTGGGGCAGCTGGTGCTACAGCAGGCACAGAG-3'
Protein context (NP_002991.2, residues 198-218): SYWWNGDKYL[Gly208Arg]PAVLMQAYRW

ClinVar aggregate classification (germline): Likely pathogenic. Review status: criteria provided, multiple submitters, no conflicts (2 of 4 stars). 2 submissions from 2 submitters: Likely pathogenic (2). Last evaluated 2025-04-10.

Conditions:
Hereditary cancer-predisposing syndrome. Also called: Neoplastic Syndromes, Hereditary; Tumor predisposition; Hereditary Cancer Syndrome; Hereditary neoplastic syndrome. Identifiers: Orphanet 140162, MedGen C0027672, MeSH D009386, MONDO:0015356.
Pheochromocytoma. Also called: MAX-Related Hereditary Paraganglioma-Pheochromocytoma Syndrome. Identifiers: Orphanet 29072, MedGen C0031511, MONDO:0008233, OMIM 171300, HP:0002666.
Pheochromocytoma/paraganglioma syndrome 4. Also called: CAROTID BODY TUMORS AND MULTIPLE EXTRAADRENAL PHEOCHROMOCYTOMAS; PARAGANGLIOMA, FAMILIAL MALIGNANT; PARAGANGLIOMAS, HEREDITARY EXTRAADRENAL; PHEOCHROMOCYTOMA, FAMILIAL EXTRAADRENAL; Paragangliomas 4; SDHB-Related Hereditary Paraganglioma-Pheochromocytoma Syndrome (Paragangliomas 4). Identifiers: Orphanet 29072, MedGen C1861848, MONDO:0007273, OMIM 115310.
Gastrointestinal stromal tumor. Also called: Gastrointestinal stromal tumor, somatic; Gastrointestinal stroma tumor. Identifiers: Orphanet 44890, MedGen C0238198, MeSH D046152, MONDO:0011719, OMIM 606764, HP:0100723.

Submissions (2):

Ambry Genetics
Classification: Likely pathogenic for Hereditary cancer-predisposing syndrome. Last evaluated: 2025-04-10. Review status: criteria provided, single submitter. Criteria: Ambry Variant Classification Scheme 2023. Collection method: clinical testing. Allele origin: germline.
Comment: The p.G208R variant (also known as c.622G>A), located in coding exon 6 of the SDHB gene, results from a G to A substitution at nucleotide position 622. The glycine at codon 208 is replaced by arginine, an amino acid with dissimilar properties. This variant was reported in individual(s) with features consistent with SDHB-related hereditary pheochromocytoma-paraganglioma (Ambry internal data). Based on internal structural assessment, this alteration results in disruption of the structure near one of the critical iron-sulfur cluster cofactors (Sun F et al. Cell, 2005 Jul;121:1043-57). Another alteration at the same codon, p.G208E (c.623G>A), has been detected in multiple individuals with a paraganglioma or pheochromocytoma (Benn DE et al. J Clin Endocrinol Metab, 2006 Mar;91:827-36; Ben Aim L et al. J Med Genet, 2021 Aug; Ambry internal data). This variant is considered to be rare based on population cohorts in the Genome Aggregation Database (gnomAD). This amino acid position is highly conserved in available vertebrate species. In addition, this alteration is predicted to be deleterious by in silico analysis. Based on the majority of available evidence to date, this variant is likely to be pathogenic.

Labcorp Genetics (formerly Invitae), Labcorp
Classification: Likely pathogenic for Gastrointestinal stromal tumor; Pheochromocytoma/paraganglioma syndrome 4; Pheochromocytoma. Last evaluated: 2024-12-12. Review status: criteria provided, single submitter. Criteria: Invitae Variant Classification Sherloc (09022015). Collection method: clinical testing. Allele origin: germline.
Comment: This sequence change replaces glycine, which is neutral and non-polar, with arginine, which is basic and polar, at codon 208 of the SDHB protein (p.Gly208Arg). This variant is not present in population databases (gnomAD no frequency). This missense change has been observed in individuals with renal cell carcinoma, paraganglioma and/or gastrointestinal stromal tumor (external communication, internal data). ClinVar contains an entry for this variant (Variation ID: 1752328). Invitae Evidence Modeling of protein sequence and biophysical properties (such as structural, functional, and spatial information, amino acid conservation, physicochemical variation, residue mobility, and thermodynamic stability) indicates that this missense variant is expected to disrupt SDHB protein function with a positive predictive value of 80%. This variant disrupts the p.Gly208 amino acid residue in SDHB. Other variant(s) that disrupt this residue have been determined to be pathogenic (PMID: 16317055; internal data). This suggests that this residue is clinically significant, and that variants that disrupt this residue are likely to be disease-causing. In summary, the currently available evidence indicates that the variant is pathogenic, but additional data are needed to prove that conclusively. Therefore, this variant has been classified as Likely Pathogenic.

Literature cited by the submitters: PubMed 16317055 (cited by Labcorp Genetics (formerly Invitae), Labcorp).